The following is an entry in ClinVar:

NM_003836.7(DLK1):c.657C>T (p.Asn219=)

Gene: DLK1 (delta like non-canonical Notch ligand 1; plus strand). Cytogenetic location: 14q32.2.
Variant type: single nucleotide variant.
Coding change: c.657C>T on transcript NM_003836.7 (MANE Select); coding-DNA position 657, C replaced by T.
Protein change: p.Asn219=; no amino-acid change (asparagine 219 retained).
Molecular consequence: synonymous variant.
Genome position (GRCh38, 1-based): chr14:100,734,401, C>T. VCF-style: chr14-100734401-C-T. GRCh37 (hg19) VCF-style: chr14-101200738-C-T.
Other names: c.657C>T, p.Asn219= (NM_001317172.2).
Identifiers: ClinVar variation 5039320 (VCV005039320.1).
Genomic context (GRCh38, chr14:100,734,401, plus strand): 5'-CTTCATCGACAAGACCTGCAGCCGCCCGGTGACCAACTGCGCCAGCAGCCCGTGCCAGAA[C>T]GGGGGCACCTGCCTGCAGCACACCCAGGTGAGCTACGAGTGTCTGTGCAAGCCCGAGTTC-3'
Protein context (NP_003827.4, residues 209-229): VTNCASSPCQ[Asn219=]GGTCLQHTQV

ClinVar aggregate classification (germline): Likely benign (1 of 4 stars; one submission).

gnomAD v4.1: 34 of 1,611,466 alleles (0.0021%); highest among the groups gnomAD compares: South Asian, 0.0088%; no homozygotes.

Submission:

CeGaT Center for Human Genetics Tuebingen
Classification: Likely benign. Last evaluated: 2026-08-01. Review status: criteria provided, single submitter. Criteria: CeGaT Center For Human Genetics Tuebingen Variant Classification Criteria Version 2. Collection method: clinical testing. Allele origin: germline. Affected: yes. Observed: 1 variant allele.
Comment: DLK1: BP4, BP7